The following is an entry in ClinVar:

NM_001374828.1(ARID1B):c.612_629del (p.Gln209_Gln214del)

Genes: ARID1B (AT-rich interaction domain 1B; plus strand), LOC115308161 (uncharacterized LOC115308161; minus strand). Cytogenetic location: 6q25.3.
Variant type: Deletion.
Coding change: c.612_629del on transcript NM_001374828.1 (MANE Select); coding-DNA positions 612 to 629, 18 bases deleted (ACAGCAGCAGCAGCAGCA).
Protein change: p.Gln209_Gln214del.
Molecular consequence: inframe deletion. On other transcripts: non-coding transcript variant (1).
Genome position (GRCh38, 1-based): chr6:156,778,292-156,778,309, ACAGCAGCAGCAGCAGCA deleted; deleting any 18 consecutive bases within chr6:156,778,275-156,778,309 gives the same sequence; the c. name uses the placement nearest the transcript's 3' end. VCF-style (leftmost placement, unchanged base first): chr6-156778274-GCAGCAGCAGCAGCAGCAA-G. GRCh37 (hg19) VCF-style: chr6-157099408-GCAGCAGCAGCAGCAGCAA-G.
Other names: c.363_380del18 (NM_020732.3); c.612_629del, p.Gln209_Gln214del (NM_001371656.1, NM_001374820.1, NM_017519.3).
Identifiers: ClinVar variation 588830 (VCV000588830.12), dbSNP rs768349133, ClinGen allele CA4066651.

ClinVar aggregate classification (germline): Conflicting classifications of pathogenicity. Review status: criteria provided, conflicting classifications (1 of 4 stars). 3 submissions from 3 submitters: Uncertain significance (1); Likely benign (2). Last evaluated 2025-12-19.

Conditions:
Inborn genetic diseases. Identifiers: MedGen C0950123, MeSH D030342.

Submissions (3):

Labcorp Genetics (formerly Invitae), Labcorp
Classification: Uncertain significance. Last evaluated: 2025-12-19. Review status: criteria provided, single submitter. Criteria: Invitae Variant Classification Sherloc (09022015). Collection method: clinical testing. Allele origin: germline.
Comment: This variant, c.363_380del, results in the deletion of 6 amino acid(s) of the ARID1B protein (p.Gln126_Gln131del), but otherwise preserves the integrity of the reading frame. The frequency data for this variant in the population databases is considered unreliable, as metrics indicate poor data quality at this position in the gnomAD database. This variant has not been reported in the literature in individuals affected with ARID1B-related conditions. ClinVar contains an entry for this variant (Variation ID: 588830). Experimental studies and prediction algorithms are not available or were not evaluated, and the functional significance of this variant is currently unknown. In summary, the available evidence is currently insufficient to determine the role of this variant in disease. Therefore, it has been classified as a Variant of Uncertain Significance.

Blueprint Genetics
Classification: Likely benign. Last evaluated: 2024-09-18. Review status: criteria provided, single submitter. Criteria: ACMG Guidelines, 2015. Collection method: clinical testing. Allele origin: germline.

Ambry Genetics
Classification: Likely benign for Inborn genetic diseases. Last evaluated: 2017-05-26. Review status: criteria provided, single submitter. Criteria: Ambry Variant Classification Scheme 2023. Collection method: clinical testing. Allele origin: germline.